The following is an entry in ClinVar:

ClinVar aggregate classification (germline): Uncertain significance (1 of 4 stars; one submission).

Conditions:
Mucopolysaccharidosis type 1. Also called: IDUA deficiency; MPS I; Mucopolysaccharidosis Type I. Identifiers: Orphanet 579, MedGen C0023786, MONDO:0001586.

Allele frequency attached by ClinVar (database versions not stated): gnomAD 0.00001; 1000 Genomes Project 0.00020; TOPMed 0.00006; 1000 Genomes Project 30x 0.00016.
gnomAD v4.1: 2 of 1,469,932 alleles (0.00014%); highest among the groups gnomAD compares: African/African-American, 0.0029%; no homozygotes.

Submission:

Labcorp Genetics (formerly Invitae), Labcorp
Classification: Uncertain significance for Mucopolysaccharidosis type 1. Last evaluated: 2021-07-12. Review status: criteria provided, single submitter. Criteria: Invitae Variant Classification Sherloc (09022015). Collection method: clinical testing. Allele origin: germline.
Comment: In summary, the available evidence is currently insufficient to determine the role of this variant in disease. Therefore, it has been classified as a Variant of Uncertain Significance. Algorithms developed to predict the effect of missense changes on protein structure and function output the following: SIFT: "Tolerated"; PolyPhen-2: "Probably Damaging"; Align-GVGD: "Class C0". The leucine amino acid residue is found in multiple mammalian species, suggesting that this missense change does not adversely affect protein function. These predictions have not been confirmed by published functional studies and their clinical significance is uncertain. This variant has not been reported in the literature in individuals with IDUA-related conditions. The frequency data for this variant in the population databases is considered unreliable, as metrics indicate insufficient coverage at this position in the ExAC database. This sequence change replaces valine with leucine at codon 32 of the IDUA protein (p.Val32Leu). The valine residue is moderately conserved and there is a small physicochemical difference between valine and leucine.

NM_000203.5(IDUA):c.94G>T (p.Val32Leu)

Genes: IDUA (alpha-L-iduronidase; plus strand), SLC26A1 (solute carrier family 26 member 1; minus strand). Cytogenetic location: 4p16.3.
Variant type: single nucleotide variant.
Coding change: c.94G>T on transcript NM_000203.5 (MANE Select); coding-DNA position 94, G replaced by T.
Protein change: p.Val32Leu; replaces valine 32 with leucine.
Molecular consequence: missense variant. On other transcripts: non-coding transcript variant (1), intron variant (1).
Genome position (GRCh38, 1-based): chr4:987,178, G>T. VCF-style: chr4-987178-G-T. GRCh37 (hg19) VCF-style: chr4-980966-G-T.
Other names: c.576+3950C>A (NM_134425.4); short protein forms V32L.
Identifiers: ClinVar variation 1523670 (VCV001523670.8), dbSNP rs566741452, ClinGen allele CA91144700.
Genomic context (GRCh38, chr4:987,178, plus strand): 5'-GCGCTCCTGGCCTCGCTCCTGGCCGCGCCCCCGGTGGCCCCGGCCGAGGCCCCGCACCTG[G>T]TGCATGTGGACGCGGCCCGCGCGCTGTGGCCCCTGCGGCGCTTCTGGAGGAGCACAGGCT-3'
Protein context (NP_000194.2, residues 22-42): PVAPAEAPHL[Val32Leu]HVDAARALWP